The following is an entry in ClinVar:

NM_001384140.1(PCDH15):c.3460T>C (p.Ser1154Pro)

Gene: PCDH15 (protocadherin related 15; minus strand). Cytogenetic location: 10q21.1.
Variant type: single nucleotide variant.
Coding change: c.3460T>C on transcript NM_001384140.1 (MANE Select); coding-DNA position 3460, T replaced by C.
Protein change: p.Ser1154Pro; replaces serine 1154 with proline.
Molecular consequence: missense variant.
Genome position (GRCh38, 1-based): chr10:53,903,284, A>G on the plus strand (T>C on the coding strand, the complement: PCDH15 is on the minus strand). VCF-style: chr10-53903284-A-G. GRCh37 (hg19) VCF-style: chr10-55663044-A-G.
Other names: c.3475T>C, p.Ser1159Pro (NM_001142763.2, NM_001142771.2); c.3460T>C, p.Ser1154Pro (NM_001142764.2, NM_001142766.2, NM_001142770.3 and 4 more transcripts); c.3247T>C, p.Ser1083Pro (NM_001142765.2); c.3349T>C, p.Ser1117Pro (NM_001142767.2); c.3394T>C, p.Ser1132Pro (NM_001142768.2, NM_001142773.2, NM_001354404.2); c.3496T>C, p.Ser1166Pro (NM_001142769.4); c.3481T>C, p.Ser1161Pro (NM_001354411.2); short protein forms S1161P, S1117P, S1154P, S1132P, S1159P, S1166P, S1083P.
Identifiers: ClinVar variation 2016129 (VCV002016129.4), dbSNP rs373714151, ClinGen allele CA5505660.

ClinVar aggregate classification (germline): Uncertain significance (1 of 4 stars; one submission).

Allele frequency attached by ClinVar (database versions not stated): TOPMed below 0.00001; ESP Exome Variant Server 0.00008.

Submission:

Labcorp Genetics (formerly Invitae), Labcorp
Classification: Uncertain significance. Last evaluated: 2022-07-11. Review status: criteria provided, single submitter. Criteria: Invitae Variant Classification Sherloc (09022015). Collection method: clinical testing. Allele origin: germline.
Comment: In summary, the available evidence is currently insufficient to determine the role of this variant in disease. Therefore, it has been classified as a Variant of Uncertain Significance. Algorithms developed to predict the effect of missense changes on protein structure and function are either unavailable or do not agree on the potential impact of this missense change (SIFT: "Deleterious"; PolyPhen-2: "Probably Damaging"; Align-GVGD: "Class C0"). This variant has not been reported in the literature in individuals affected with PCDH15-related conditions. This variant is present in population databases (rs373714151, gnomAD no frequency). This sequence change replaces serine, which is neutral and polar, with proline, which is neutral and non-polar, at codon 1154 of the PCDH15 protein (p.Ser1154Pro).